The following is an entry in ClinVar:

ClinVar aggregate classification (germline): Pathogenic/Likely pathogenic. Review status: criteria provided, multiple submitters, no conflicts (2 of 4 stars). 3 submissions from 3 submitters: Pathogenic (2); Likely pathogenic (1). Last evaluated 2025-12-13.

Conditions:
Renal carnitine transport defect (CDSP). Also called: Carnitine transporter deficiency; Carnitine Deficiency, Systemic; Systemic primary carnitine deficiency disease; CARNITINE DEFICIENCY, SYSTEMIC, DUE TO DEFECT IN RENAL REABSORPTION OF CARNITINE; CARNITINE TRANSPORTER, PLASMA-MEMBRANE, DEFICIENCY OF; CARNITINE UPTAKE DEFECT. Identifiers: Orphanet 158, MedGen C0342788, MONDO:0008919, OMIM 212140.

Submissions (3):

Labcorp Genetics (formerly Invitae), Labcorp
Classification: Pathogenic for Renal carnitine transport defect. Last evaluated: 2025-12-13. Review status: criteria provided, single submitter. Criteria: Invitae Variant Classification Sherloc (09022015). Collection method: clinical testing. Allele origin: germline.
Comment: This sequence change replaces proline, which is neutral and non-polar, with arginine, which is basic and polar, at codon 247 of the SLC22A5 protein (p.Pro247Arg). This variant is not present in population databases (gnomAD no frequency). This missense change has been observed in individual(s) with primary carnitine deficiency (PMID: 28841266). ClinVar contains an entry for this variant (Variation ID: 1458254). Invitae Evidence Modeling of protein sequence and biophysical properties (such as structural, functional, and spatial information, amino acid conservation, physicochemical variation, residue mobility, and thermodynamic stability) indicates that this missense variant is expected to disrupt SLC22A5 protein function with a positive predictive value of 95%. Experimental studies have shown that this missense change affects SLC22A5 function (PMID: 28841266). For these reasons, this variant has been classified as Pathogenic.

Women's Health and Genetics/Laboratory Corporation of America, LabCorp
Classification: Pathogenic for Renal carnitine transport defect. Last evaluated: 2025-02-19. Review status: criteria provided, single submitter. Criteria: LabCorp Variant Classification Summary - May 2015. Collection method: clinical testing. Allele origin: germline.
Comment: Variant summary: SLC22A5 c.740C>G (p.Pro247Arg) results in a non-conservative amino acid change located in the MFS general substrate transporter like domain (IPR036259) of the encoded protein sequence. Five of five in-silico tools predict a damaging effect of the variant on protein function. The variant was absent in 251488 control chromosomes. c.740C>G has been reported in the homozygous state in the literature in at least 1 individual affected with Primary Carnitine Deficiency (example, Frigeni_2017). These data indicate that the variant may be associated with disease. At least one publication reports experimental evidence evaluating an impact on protein function in vitro. The most pronounced variant effect results in <10% of normal activity (example, Frigeni_2017). The following publication has been ascertained in the context of this evaluation (PMID: 28841266). ClinVar contains an entry for this variant (Variation ID: 1458254). Based on the evidence outlined above, the variant was classified as pathogenic.

Baylor Genetics
Classification: Likely pathogenic for Renal carnitine transport defect. Last evaluated: 2022-01-31. Review status: criteria provided, single submitter. Criteria: ACMG Guidelines, 2015. Collection method: clinical testing. Allele origin: unknown.

Literature cited by the submitters: PubMed 28841266 (cited by Labcorp Genetics (formerly Invitae), Labcorp and Women's Health and Genetics/Laboratory Corporation of America, LabCorp).

NM_003060.4(SLC22A5):c.740C>G (p.Pro247Arg)

Gene: SLC22A5 (solute carrier family 22 member 5; plus strand). Cytogenetic location: 5q31.1.
Variant type: single nucleotide variant.
Coding change: c.740C>G on transcript NM_003060.4 (MANE Select); coding-DNA position 740, C replaced by G.
Protein change: p.Pro247Arg; replaces proline 247 with arginine.
Molecular consequence: missense variant.
Genome position (GRCh38, 1-based): chr5:132,385,415, C>G. VCF-style: chr5-132385415-C-G. GRCh37 (hg19) VCF-style: chr5-131721107-C-G.
Other names: c.812C>G, p.Pro271Arg (NM_001308122.2); short protein forms P247R, P271R.
Identifiers: ClinVar variation 1458254 (VCV001458254.8), dbSNP rs2126783802, ClinGen allele CA360805116.